The following is an entry in ClinVar:

ClinVar aggregate classification (germline): Uncertain significance (1 of 4 stars; one submission).

gnomAD v4.1: 5 of 1,614,108 alleles (0.00031%); highest among the groups gnomAD compares: Non-Finnish European, 0.00042%; no homozygotes.

Submission:

Ambry Genetics
Classification: Uncertain significance. Last evaluated: 2023-03-18. Review status: criteria provided, single submitter. Criteria: Ambry Variant Classification Scheme 2023. Collection method: clinical testing. Allele origin: germline.
Comment: The p.S1104R variant (also known as c.3312C>A), located in coding exon 2 of the MLH3 gene, results from a C to A substitution at nucleotide position 3312. The serine at codon 1104 is replaced by arginine, an amino acid with dissimilar properties. This amino acid position is conserved. In addition, the in silico prediction for this alteration is inconclusive. Since supporting evidence is limited at this time, the clinical significance of this alteration remains unclear.

NM_001040108.2(MLH3):c.3312C>A (p.Ser1104Arg)

Gene: MLH3 (mutL homolog 3; minus strand). Cytogenetic location: 14q24.3.
Variant type: single nucleotide variant.
Coding change: c.3312C>A on transcript NM_001040108.2 (MANE Select); coding-DNA position 3312, C replaced by A.
Protein change: p.Ser1104Arg; replaces serine 1104 with arginine.
Molecular consequence: missense variant.
Genome position (GRCh38, 1-based): chr14:75,042,446, G>T on the plus strand (C>A on the coding strand, the complement: MLH3 is on the minus strand). VCF-style: chr14-75042446-G-T. GRCh37 (hg19) VCF-style: chr14-75509149-G-T.
Other names: c.3312C>A, p.Ser1104Arg (NM_014381.3); short protein forms S1104R.
Identifiers: ClinVar variation 2563522 (VCV002563522.2), dbSNP rs149369905, ClinGen allele CA7275538.
Genomic context (GRCh38, chr14:75,042,446, plus strand): 5'-ATCCTGTCTCATCACAGTCCTCTCTGCTCGAGCTCTCGGAAGGAAAGGAAGAACAAGGTC[G>T]CTTCTAAAAGGTTGACACCTGTACTGAGACCCTAAATATAAGAAAGAAAAACCTAGAAAT-3'
Protein context (NP_001035197.1, residues 1094-1114): GSQYRCQPFR[Ser1104Arg]DLVLPFLPRA